The following is an entry in ClinVar:

NM_000466.3(PEX1):c.1048C>T (p.Gln350Ter)

Gene: PEX1 (peroxisomal biogenesis factor 1; minus strand). Cytogenetic location: 7q21.2.
Variant type: single nucleotide variant.
Coding change: c.1048C>T on transcript NM_000466.3 (MANE Select); coding-DNA position 1048, C replaced by T.
Protein change: p.Gln350Ter; replaces glutamine 350 with a stop codon.
Molecular consequence: nonsense.
Genome position (GRCh38, 1-based): chr7:92,517,467, G>A on the plus strand (C>T on the coding strand, the complement: PEX1 is on the minus strand). VCF-style: chr7-92517467-G-A. GRCh37 (hg19) VCF-style: chr7-92146781-G-A.
Other names: c.1048C>T, p.Gln350Ter (NM_001282677.2); c.424C>T, p.Gln142Ter (NM_001282678.2); short protein forms Q350*, Q142*.
Identifiers: ClinVar variation 2036716 (VCV002036716.4), dbSNP rs1792847005, ClinGen allele CA368198403.
Genomic context (GRCh38, chr7:92,517,467, plus strand): 5'-TTTTTTTTTGATCTAGTGGCTCTGACATCTGCTTCTCTTTTTCAGGTGATAACACATTTT[G>A]TTTTGTTTTACTTTGCTGTTGCTTTGGAGAAAGTAGCTTAACTAGCTTTCCATATGTCAC-3'

ClinVar aggregate classification (germline): Pathogenic (1 of 4 stars; one submission).

Conditions:
Zellweger spectrum disorders (ZS). Also called: Zellweger Spectrum Disorder; Zellweger Spectrum; Zellweger Spectrum Disorder (ZSD); Zellweger syndrome. Identifiers: Orphanet 912, MedGen C0043459, MONDO:0019609.

Submission:

Labcorp Genetics (formerly Invitae), Labcorp
Classification: Pathogenic for Zellweger spectrum disorders. Last evaluated: 2022-10-25. Review status: criteria provided, single submitter. Criteria: Invitae Variant Classification Sherloc (09022015). Collection method: clinical testing. Allele origin: germline.
Comment: For these reasons, this variant has been classified as Pathogenic. This variant has not been reported in the literature in individuals affected with PEX1-related conditions. This variant is not present in population databases (gnomAD no frequency). This sequence change creates a premature translational stop signal (p.Gln350*) in the PEX1 gene. It is expected to result in an absent or disrupted protein product. Loss-of-function variants in PEX1 are known to be pathogenic (PMID: 9398847, 16086329, 16141001, 21031596, 26387595, 31831025).

Literature cited by the submitters: PubMed 9398847; PubMed 16086329; PubMed 16141001; PubMed 21031596; PubMed 26387595; PubMed 31831025.